The following is an entry in ClinVar:

ClinVar aggregate classification (germline): Uncertain significance. Review status: criteria provided, multiple submitters, no conflicts (2 of 4 stars). 2 submissions from 2 submitters: Uncertain significance (2). Last evaluated 2026-04-21.

Conditions:
Inborn genetic diseases. Identifiers: MedGen C0950123, MeSH D030342.

Allele frequency attached by ClinVar (database versions not stated): gnomAD exomes 0.00001 and below 0.00001; gnomAD 0.00002.
gnomAD v4.1: 15 of 1,606,784 alleles (0.00093%); highest among the groups gnomAD compares: Middle Eastern, 0.016%; no homozygotes.

Submissions (2):

Ambry Genetics
Classification: Uncertain significance for Inborn genetic diseases. Last evaluated: 2026-04-21. Review status: criteria provided, single submitter. Criteria: Ambry Variant Classification Scheme 2023. Collection method: clinical testing. Allele origin: germline.

Labcorp Genetics (formerly Invitae), Labcorp
Classification: Uncertain significance. Last evaluated: 2025-03-04. Review status: criteria provided, single submitter. Criteria: Invitae Variant Classification Sherloc (09022015). Collection method: clinical testing. Allele origin: germline.
Comment: This sequence change replaces arginine, which is basic and polar, with glutamine, which is neutral and polar, at codon 469 of the AHDC1 protein (p.Arg469Gln). The frequency data for this variant in the population databases is considered unreliable, as metrics indicate poor data quality at this position in the gnomAD database. This variant has not been reported in the literature in individuals affected with AHDC1-related conditions. ClinVar contains an entry for this variant (Variation ID: 1482769). An algorithm developed to predict the effect of missense changes on protein structure and function (PolyPhen-2) suggests that this variant is likely to be tolerated. In summary, the available evidence is currently insufficient to determine the role of this variant in disease. Therefore, it has been classified as a Variant of Uncertain Significance.

NM_001371928.1(AHDC1):c.1406G>A (p.Arg469Gln)

Gene: AHDC1 (AT-hook DNA binding motif containing 1; minus strand). Cytogenetic location: 1p36.11.
Variant type: single nucleotide variant.
Coding change: c.1406G>A on transcript NM_001371928.1 (MANE Select); coding-DNA position 1406, G replaced by A.
Protein change: p.Arg469Gln; replaces arginine 469 with glutamine.
Molecular consequence: missense variant.
Genome position (GRCh38, 1-based): chr1:27,550,710, C>T on the plus strand (G>A on the coding strand, the complement: AHDC1 is on the minus strand). VCF-style: chr1-27550710-C-T. GRCh37 (hg19) VCF-style: chr1-27877221-C-T.
Other names: c.1406G>A (NM_001029882.2); c.1406G>A, p.Arg469Gln (NM_001029882.3); short protein forms R469Q.
Identifiers: ClinVar variation 1482769 (VCV001482769.8), dbSNP rs1030513662, ClinGen allele CA19877478.
Genomic context (GRCh38, chr1:27,550,710, plus strand): 5'-TTCCGCCGCCCCAGCGATACGGGGATCTTGGCCATCTTCACCACCATGCGCCGCACGCCC[C>T]GGCACTTGCCTTTGCGGGTAGAGACCACTGGGGTCTGGGAAGATTCCGGCTTCAACTCTG-3'
Protein context (NP_001358857.1, residues 459-479): PVVSTRKGKC[Arg469Gln]GVRRMVVKMA